The following is an entry in ClinVar:

ClinVar aggregate classification (germline): Likely benign (1 of 4 stars; one submission).

gnomAD v4.1: 2,249 of 1,613,914 alleles (0.14%); highest among the groups gnomAD compares: Non-Finnish European, 0.17%; 4 homozygotes.

Submission:

CeGaT Center for Human Genetics Tuebingen
Classification: Likely benign. Last evaluated: 2026-07-01. Review status: criteria provided, single submitter. Criteria: CeGaT Center For Human Genetics Tuebingen Variant Classification Criteria Version 2. Collection method: clinical testing. Allele origin: germline. Affected: yes. Observed: 1 variant allele.
Comment: RALGAPA2: BP4, BP7

NM_020343.4(RALGAPA2):c.5544C>T (p.Arg1848=)

Gene: RALGAPA2 (Ral GTPase activating protein catalytic subunit alpha 2; minus strand). Cytogenetic location: 20p11.23.
Variant type: single nucleotide variant.
Coding change: c.5544C>T on transcript NM_020343.4 (MANE Select); coding-DNA position 5544, C replaced by T.
Protein change: p.Arg1848=; no amino-acid change (arginine 1848 retained).
Molecular consequence: synonymous variant.
Genome position (GRCh38, 1-based): chr20:20,412,100, G>A on the plus strand (C>T on the coding strand, the complement: RALGAPA2 is on the minus strand). VCF-style: chr20-20412100-G-A. GRCh37 (hg19) VCF-style: chr20-20392744-G-A.
Identifiers: ClinVar variation 4872404 (VCV004872404.2).